The following is an entry in ClinVar:

ClinVar aggregate classification (germline): Uncertain significance. Review status: criteria provided, multiple submitters, no conflicts (2 of 4 stars). 2 submissions from 2 submitters: Uncertain significance (2). Last evaluated 2019-01-31.

Conditions:
Hereditary cancer-predisposing syndrome. Also called: Neoplastic Syndromes, Hereditary; Tumor predisposition; Hereditary neoplastic syndrome; Hereditary Cancer Syndrome. Identifiers: Orphanet 140162, MedGen C0027672, MeSH D009386, MONDO:0015356.

Submissions (2):

Color Diagnostics, LLC DBA Color Health
Classification: Uncertain significance for Hereditary cancer-predisposing syndrome. Last evaluated: 2019-01-31. Review status: criteria provided, single submitter. Criteria: ACMG Guidelines, 2015. Collection method: clinical testing. Allele origin: germline.

Ambry Genetics
Classification: Uncertain significance for Hereditary cancer-predisposing syndrome. Last evaluated: 2018-06-20. Review status: criteria provided, single submitter. Criteria: Ambry Variant Classification Scheme 2023. Collection method: clinical testing. Allele origin: germline.
Comment: The p.I1806L variant (also known as c.5416A>C), located in coding exon 35 of the ATM gene, results from an A to C substitution at nucleotide position 5416. The isoleucine at codon 1806 is replaced by leucine, an amino acid with highly similar properties. This amino acid position is not well conserved in available vertebrate species. In addition, this alteration is predicted to be tolerated by in silico analysis. Since supporting evidence is limited at this time, the clinical significance of this alteration remains unclear.

NM_000051.4(ATM):c.5416A>C (p.Ile1806Leu)

Gene: ATM (ATM serine/threonine kinase; plus strand). Cytogenetic location: 11q22.3.
Variant type: single nucleotide variant.
Coding change: c.5416A>C on transcript NM_000051.4 (MANE Select); coding-DNA position 5416, A replaced by C.
Protein change: p.Ile1806Leu; replaces isoleucine 1806 with leucine.
Molecular consequence: missense variant.
Genome position (GRCh38, 1-based): chr11:108,302,949, A>C. VCF-style: chr11-108302949-A-C. GRCh37 (hg19) VCF-style: chr11-108173676-A-C.
Other names: c.5416A>C, p.Ile1806Leu (NM_001351834.2); short protein forms I1806L.
Identifiers: ClinVar variation 629859 (VCV000629859.7), dbSNP rs1565479163, ClinGen allele CA382543863.